The following is an entry in ClinVar:

NM_001330691.3(CEP78):c.1228C>T (p.Arg410Cys)

Gene: CEP78 (centrosomal protein 78; plus strand). Cytogenetic location: 9q21.2.
Variant type: single nucleotide variant.
Coding change: c.1228C>T on transcript NM_001330691.3 (MANE Select); coding-DNA position 1228, C replaced by T.
Protein change: p.Arg410Cys; replaces arginine 410 with cysteine.
Molecular consequence: missense variant.
Genome position (GRCh38, 1-based): chr9:78,253,254, C>T. VCF-style: chr9-78253254-C-T. GRCh37 (hg19) VCF-style: chr9-80868170-C-T.
Other names: c.1231C>T, p.Arg411Cys (NM_001098802.3, NM_001349839.2, NM_001349840.2 and 1 more transcripts); c.1228C>T, p.Arg410Cys (NM_001330693.3, NM_001330694.2, NM_001349838.2); short protein forms R411C, R410C.
Identifiers: ClinVar variation 954929 (VCV000954929.9), dbSNP rs200567472, ClinGen allele CA5095188.

ClinVar aggregate classification (germline): Uncertain significance. Review status: criteria provided, multiple submitters, no conflicts (2 of 4 stars). 3 submissions from 3 submitters: Uncertain significance (3). Last evaluated 2026-07-27.

Conditions:
CEP78-related disorder. Also called: CEP78-related condition.

Allele frequency attached by ClinVar (database versions not stated): TOPMed 0.00002; ESP Exome Variant Server 0.00025.
gnomAD v4.1: 101 of 1,386,030 alleles (0.0073%); highest among the groups gnomAD compares: Non-Finnish European, 0.0094%; no homozygotes.

Submissions (3):

PreventionGenetics, part of Exact Sciences
Classification: Uncertain significance for CEP78-related condition. Last evaluated: 2026-07-27. Review status: criteria provided, single submitter. Criteria: ACMG Guidelines, 2015. Collection method: clinical testing. Allele origin: germline.
Comment: The CEP78 c.1231C>T variant is predicted to result in the amino acid substitution p.Arg411Cys. To our knowledge, this variant has not been reported in the literature. This variant is reported in 0.012% of alleles in individuals of European (Non-Finnish) descent in gnomAD. At this time, the clinical significance of this variant is uncertain due to the absence of conclusive functional and genetic evidence.

Blueprint Genetics
Classification: Uncertain significance. Last evaluated: 2022-08-04. Review status: criteria provided, single submitter. Criteria: ACMG Guidelines, 2015. Collection method: clinical testing. Allele origin: germline.

Labcorp Genetics (formerly Invitae), Labcorp
Classification: Uncertain significance. Last evaluated: 2022-05-06. Review status: criteria provided, single submitter. Criteria: Invitae Variant Classification Sherloc (09022015). Collection method: clinical testing. Allele origin: germline.
Comment: This sequence change replaces arginine, which is basic and polar, with cysteine, which is neutral and slightly polar, at codon 411 of the CEP78 protein (p.Arg411Cys). The frequency data for this variant in the population databases is considered unreliable, as metrics indicate poor data quality at this position in the gnomAD database. This variant has not been reported in the literature in individuals affected with CEP78-related conditions. ClinVar contains an entry for this variant (Variation ID: 954929). Algorithms developed to predict the effect of missense changes on protein structure and function are either unavailable or do not agree on the potential impact of this missense change (SIFT: "Deleterious"; PolyPhen-2: "Possibly Damaging"; Align-GVGD: "Class C0"). Algorithms developed to predict the effect of sequence changes on RNA splicing suggest that this variant may disrupt the consensus splice site. In summary, the available evidence is currently insufficient to determine the role of this variant in disease. Therefore, it has been classified as a Variant of Uncertain Significance.